The following is an entry in ClinVar:

NM_002641.4(PIGA):c.446C>T (p.Thr149Ile)

Gene: PIGA (phosphatidylinositol glycan anchor biosynthesis class A; minus strand). Cytogenetic location: Xp22.2.
Variant type: single nucleotide variant.
Coding change: c.446C>T on transcript NM_002641.4 (MANE Select); coding-DNA position 446, C replaced by T.
Protein change: p.Thr149Ile; replaces threonine 149 with isoleucine.
Molecular consequence: missense variant. On other transcripts: intron variant (1).
Genome position (GRCh38, 1-based): chrX:15,331,485, G>A on the plus strand (C>T on the coding strand, the complement: PIGA is on the minus strand). VCF-style: chrX-15331485-G-A. GRCh37 (hg19) VCF-style: chrX-15349607-G-A.
Other names: c.13+4016C>T (NM_020473.3); short protein forms T149I.
Identifiers: ClinVar variation 2015920 (VCV002015920.4), dbSNP rs2519331520, ClinGen allele CA412339845.

ClinVar aggregate classification (germline): Uncertain significance (1 of 4 stars; one submission).

Conditions:
Multiple congenital anomalies-hypotonia-seizures syndrome 2 (MCAHS2). Also called: EPILEPTIC ENCEPHALOPATHY, EARLY INFANTILE, 20; GLYCOSYLPHOSPHATIDYLINOSITOL BIOSYNTHESIS DEFECT 4. Identifiers: Orphanet 300496, MedGen C3275508, MONDO:0010466, OMIM 300868.

Submission:

Labcorp Genetics (formerly Invitae), Labcorp
Classification: Uncertain significance for Multiple congenital anomalies-hypotonia-seizures syndrome 2. Last evaluated: 2022-07-11. Review status: criteria provided, single submitter. Criteria: Invitae Variant Classification Sherloc (09022015). Collection method: clinical testing. Allele origin: germline.
Comment: This sequence change replaces threonine, which is neutral and polar, with isoleucine, which is neutral and non-polar, at codon 149 of the PIGA protein (p.Thr149Ile). This variant is not present in population databases (gnomAD no frequency). This variant has not been reported in the literature in individuals affected with PIGA-related conditions. Algorithms developed to predict the effect of missense changes on protein structure and function are either unavailable or do not agree on the potential impact of this missense change (SIFT: "Deleterious"; PolyPhen-2: "Probably Damaging"; Align-GVGD: "Class C0"). In summary, the available evidence is currently insufficient to determine the role of this variant in disease. Therefore, it has been classified as a Variant of Uncertain Significance.